The following is an entry in ClinVar:

ClinVar aggregate classification (germline): Likely benign (1 of 4 stars; one submission).

Allele frequency attached by ClinVar (database versions not stated): gnomAD exomes below 0.00001; TOPMed below 0.00001.

Submission:

CeGaT Center for Human Genetics Tuebingen
Classification: Likely benign. Last evaluated: 2022-03-01. Review status: criteria provided, single submitter. Criteria: CeGaT Center For Human Genetics Tuebingen Variant Classification Criteria Version 2. Collection method: clinical testing. Allele origin: germline. Affected: yes. Observed: 1 variant allele.
Comment: NID2: BP4, BP7

NM_007361.4(NID2):c.469C>T (p.Leu157=)

Gene: NID2 (nidogen 2; minus strand). Cytogenetic location: 14q22.1.
Variant type: single nucleotide variant.
Coding change: c.469C>T on transcript NM_007361.4 (MANE Select); coding-DNA position 469, C replaced by T.
Protein change: p.Leu157=; no amino-acid change (leucine 157 retained).
Molecular consequence: synonymous variant.
Genome position (GRCh38, 1-based): chr14:52,067,923, G>A on the plus strand (C>T on the coding strand, the complement: NID2 is on the minus strand). VCF-style: chr14-52067923-G-A. GRCh37 (hg19) VCF-style: chr14-52534641-G-A.
Identifiers: ClinVar variation 2644238 (VCV002644238.24), dbSNP rs1278100841, ClinGen allele CA389714776.